The following is an entry in ClinVar:

ClinVar aggregate classification (germline): Pathogenic (1 of 4 stars; one submission).

Conditions:
Familial intrahepatic cholestasis. Identifiers: Orphanet 284385, MedGen CN296401, MONDO:0017290.

Submission:

Genomenon, Inc
Classification: Pathogenic for Familial intrahepatic cholestasis. Last evaluated: 2026-04-14. Review status: criteria provided, single submitter. Criteria: Genomenon Sequence Variant Interpretation Standards - Updated. Collection method: curation. Allele origin: germline. Affected: yes.
Comment: ABCB11 c.3213+4A>G is an intronic variant located in the donor splice region of intron 24. This variant has been observed in at least one proband with an ABCB11-related disorder (PMID:20232290). It has been observed in trans with a pathogenic or likely pathogenic variant (PMID:20232290). At least one splicing study has demonstrated that this variant results in aberrant splicing (PMID:25085279). It is absent or not present at a significant frequency in gnomAD. In conclusion, we classify ABCB11 c.3213+4A>G as a pathogenic variant.

Literature cited by the submitters: PubMed 20232290; PubMed 25085279.

NM_003742.4(ABCB11):c.3213+4A>G

Gene: ABCB11 (ATP binding cassette subfamily B member 11; minus strand). Cytogenetic location: 2q31.1.
Variant type: single nucleotide variant.
Coding change: c.3213+4A>G on transcript NM_003742.4 (MANE Select); 4 bases into the intron after coding-DNA position 3213, A replaced by G.
Molecular consequence: intron variant.
Genome position (GRCh38, 1-based): chr2:168,932,373, T>C on the plus strand (A>G on the coding strand, the complement: ABCB11 is on the minus strand). VCF-style: chr2-168932373-T-C. GRCh37 (hg19) VCF-style: chr2-169788883-T-C.
Identifiers: ClinVar variation 4846710 (VCV004846710.1).